The following is an entry in ClinVar:

ClinVar aggregate classification (germline): Conflicting classifications of pathogenicity. Review status: criteria provided, conflicting classifications (1 of 4 stars). 3 submissions from 3 submitters: Uncertain significance (2); Likely benign (1). Last evaluated 2023-03-23.

Conditions:
Hereditary cancer-predisposing syndrome. Also called: Hereditary neoplastic syndrome; Neoplastic Syndromes, Hereditary; Hereditary Cancer Syndrome; Tumor predisposition. Identifiers: Orphanet 140162, MedGen C0027672, MeSH D009386, MONDO:0015356.
Hereditary breast ovarian cancer syndrome. Also called: Hereditary breast and ovarian cancer; Hereditary breast and/or ovarian cancer syndrome; Hereditary breast and ovarian cancer syndrome; Hereditary breast and ovarian cancer syndrome (HBOC); Breast and ovarian cancer; BRCA1- and BRCA2-Associated Hereditary Breast and Ovarian Cancer. Identifiers: Orphanet 145, MedGen C0677776, MeSH D061325, MONDO:0003582. Disease mechanism: loss of function.

Submissions (3):

University of Washington Department of Laboratory Medicine, University of Washington
Classification: Likely benign for Hereditary cancer-predisposing syndrome. Last evaluated: 2023-03-23. Review status: criteria provided, single submitter. Criteria: Dines et al. (Genet Med. 2020). Collection method: curation. Allele origin: germline.
Comment: Missense variant in a coldspot region where missense variants are very unlikely to be pathogenic (PMID:31911673).

BRCA2 exon 11 coldspot. Reclassification based on statistical prior probability.

Ambry Genetics
Classification: Uncertain significance for Hereditary cancer-predisposing syndrome. Last evaluated: 2021-08-12. Review status: criteria provided, single submitter. Criteria: Ambry Variant Classification Scheme 2023. Collection method: clinical testing. Allele origin: germline.
Comment: The p.D1425V variant (also known as c.4274A>T), located in coding exon 10 of the BRCA2 gene, results from an A to T substitution at nucleotide position 4274. The aspartic acid at codon 1425 is replaced by valine, an amino acid with highly dissimilar properties. This amino acid position is not well conserved in available vertebrate species. In addition, the in silico prediction for this alteration is inconclusive. Since supporting evidence is limited at this time, the clinical significance of this alteration remains unclear.

Labcorp Genetics (formerly Invitae), Labcorp
Classification: Uncertain significance for Hereditary breast ovarian cancer syndrome. Last evaluated: 2019-11-05. Review status: criteria provided, single submitter. Criteria: Invitae Variant Classification Sherloc (09022015). Collection method: clinical testing. Allele origin: germline.
Comment: This sequence change replaces aspartic acid with valine at codon 1425 of the BRCA2 protein (p.Asp1425Val). The aspartic acid residue is weakly conserved and there is a large physicochemical difference between aspartic acid and valine. This variant is not present in population databases (ExAC no frequency). This variant has not been reported in the literature in individuals with BRCA2-related conditions. Algorithms developed to predict the effect of missense changes on protein structure and function (SIFT, PolyPhen-2, Align-GVGD) all suggest that this variant is likely to be tolerated, but these predictions have not been confirmed by published functional studies and their clinical significance is uncertain. In summary, the available evidence is currently insufficient to determine the role of this variant in disease. Therefore, it has been classified as a Variant of Uncertain Significance.

NM_000059.4(BRCA2):c.4274A>T (p.Asp1425Val)

Gene: BRCA2 (BRCA2 DNA repair associated; plus strand). Cytogenetic location: 13q13.1.
Variant type: single nucleotide variant.
Coding change: c.4274A>T on transcript NM_000059.4 (MANE Select); coding-DNA position 4274, A replaced by T.
Protein change: p.Asp1425Val; replaces aspartic acid 1425 with valine.
Molecular consequence: missense variant.
Genome position (GRCh38, 1-based): chr13:32,338,629, A>T. VCF-style: chr13-32338629-A-T. GRCh37 (hg19) VCF-style: chr13-32912766-A-T.
Other names: short protein forms D1425V.
Identifiers: ClinVar variation 965743 (VCV000965743.13), dbSNP rs398122780, ClinGen allele CA387780575.